The following is an entry in ClinVar:

NM_001083619.3(GRIA2):c.523G>C (p.Val175Leu)

Gene: GRIA2 (glutamate ionotropic receptor AMPA type subunit 2; plus strand). Cytogenetic location: 4q32.1.
Variant type: single nucleotide variant.
Coding change: c.523G>C on transcript NM_001083619.3 (MANE Select); coding-DNA position 523, G replaced by C.
Protein change: p.Val175Leu; replaces valine 175 with leucine.
Molecular consequence: missense variant.
Genome position (GRCh38, 1-based): chr4:157,312,732, G>C. VCF-style: chr4-157312732-G-C. GRCh37 (hg19) VCF-style: chr4-158233884-G-C.
Other names: c.523G>C, p.Val175Leu (NM_000826.6); c.382G>C, p.Val128Leu (NM_001083620.3, NM_001379000.3, NM_001379001.3); short protein forms V128L, V175L.
Identifiers: ClinVar variation 2636259 (VCV002636259.1), dbSNP rs1397057343, ClinGen allele CA358645628.

ClinVar aggregate classification (germline): Uncertain significance (1 of 4 stars; one submission).

Conditions:
GRIA2-related disorder. Also called: GRIA2-related condition.

Allele frequency attached by ClinVar (database versions not stated): gnomAD 0.00001; TOPMed 0.00001.
gnomAD v4.1: 3 of 1,611,060 alleles (0.00019%); highest among the groups gnomAD compares: Non-Finnish European, 0.00025%; no homozygotes.

Submission:

PreventionGenetics, part of Exact Sciences
Classification: Uncertain significance for GRIA2-related condition. Last evaluated: 2022-08-29. Review status: criteria provided, single submitter. Criteria: ACMG Guidelines, 2015. Collection method: clinical testing. Allele origin: germline.
Comment: The GRIA2 c.523G>C variant is predicted to result in the amino acid substitution p.Val175Leu. To our knowledge, this variant has not been reported in the literature. This variant is reported in 0.00088% of alleles in individuals of European (Non-Finnish) descent in gnomAD. At this time, the clinical significance of this variant is uncertain due to the absence of conclusive functional and genetic evidence.